The following is an entry in ClinVar:

NM_002661.5(PLCG2):c.2659G>A (p.Glu887Lys)

Gene: PLCG2 (phospholipase C gamma 2; plus strand). Cytogenetic location: 16q23.3.
Variant type: single nucleotide variant.
Coding change: c.2659G>A on transcript NM_002661.5 (MANE Select); coding-DNA position 2659, G replaced by A.
Protein change: p.Glu887Lys; replaces glutamic acid 887 with lysine.
Molecular consequence: missense variant.
Genome position (GRCh38, 1-based): chr16:81,931,574, G>A. VCF-style: chr16-81931574-G-A. GRCh37 (hg19) VCF-style: chr16-81965179-G-A.
Other names: short protein forms E887K.
Identifiers: ClinVar variation 1508792 (VCV001508792.8), dbSNP rs1179741687, ClinGen allele CA396903604.
Genomic context (GRCh38, chr16:81,931,574, plus strand): 5'-AAAAACCAGAAGTCCTTTGTCTTCATCCTGGAGCCCAAGCAGCAGGGCGATCCTCCGGTG[G>A]AGTTTGCCACAGACAGGGTGGAGGAGCTCTTTGAGTGGTTTCAGAGCATCCGAGAGATCA-3'
Protein context (NP_002652.2, residues 877-897): EPKQQGDPPV[Glu887Lys]FATDRVEELF

ClinVar aggregate classification (germline): Uncertain significance (1 of 4 stars; one submission).

Conditions:
Familial cold autoinflammatory syndrome 3 (FCAS3). Also called: FAMILIAL ATYPICAL COLD URTICARIA; ANTIBODY DEFICIENCY AND IMMUNE DYSREGULATION, PLCG2-ASSOCIATED. Identifiers: Orphanet 300359, MedGen C3280914, MONDO:0013766, OMIM 614468.

Allele frequency attached by ClinVar (database versions not stated): gnomAD exomes below 0.00001; TOPMed below 0.00001; gnomAD 0.00001.
gnomAD v4.1: 5 of 1,613,988 alleles (0.00031%); highest among the groups gnomAD compares: Non-Finnish European, 0.00042%; no homozygotes.

Submission:

Labcorp Genetics (formerly Invitae), Labcorp
Classification: Uncertain significance for Familial cold autoinflammatory syndrome 3. Last evaluated: 2025-02-27. Review status: criteria provided, single submitter. Criteria: Invitae Variant Classification Sherloc (09022015). Collection method: clinical testing. Allele origin: germline.
Comment: This sequence change replaces glutamic acid, which is acidic and polar, with lysine, which is basic and polar, at codon 887 of the PLCG2 protein (p.Glu887Lys). This variant is present in population databases (no rsID available, gnomAD 0.0009%). This missense change has been observed in individual(s) with immune dysregulation (PMID: 37769878). ClinVar contains an entry for this variant (Variation ID: 1508792). An algorithm developed to predict the effect of missense changes on protein structure and function (PolyPhen-2) suggests that this variant is likely to be tolerated. Experimental studies are conflicting or provide insufficient evidence to determine the effect of this variant on PLCG2 function (PMID: 37769878). In summary, the available evidence is currently insufficient to determine the role of this variant in disease. Therefore, it has been classified as a Variant of Uncertain Significance.

Literature cited by the submitters: PubMed 37769878.